The following is an entry in ClinVar:

ClinVar aggregate classification (germline): Uncertain significance. Review status: criteria provided, multiple submitters, no conflicts (2 of 4 stars). 2 submissions from 2 submitters: Uncertain significance (2). Last evaluated 2025-07-31.

Conditions:
Inborn genetic diseases. Identifiers: MedGen C0950123, MeSH D030342.

Submissions (2):

Ambry Genetics
Classification: Uncertain significance for Inborn genetic diseases. Last evaluated: 2025-07-31. Review status: criteria provided, single submitter. Criteria: Ambry Variant Classification Scheme 2023. Collection method: clinical testing. Allele origin: germline.

Labcorp Genetics (formerly Invitae), Labcorp
Classification: Uncertain significance. Last evaluated: 2024-07-02. Review status: criteria provided, single submitter. Criteria: Invitae Variant Classification Sherloc (09022015). Collection method: clinical testing. Allele origin: germline.
Comment: This sequence change replaces arginine, which is basic and polar, with tryptophan, which is neutral and slightly polar, at codon 150 of the ATP5D protein (p.Arg150Trp). The frequency data for this variant in the population databases is considered unreliable, as metrics indicate poor data quality at this position in the gnomAD database. This variant has not been reported in the literature in individuals affected with ATP5D-related conditions. An algorithm developed to predict the effect of missense changes on protein structure and function (PolyPhen-2) suggests that this variant is likely to be disruptive. In summary, the available evidence is currently insufficient to determine the role of this variant in disease. Therefore, it has been classified as a Variant of Uncertain Significance.

NM_001687.5(ATP5F1D):c.448C>T (p.Arg150Trp)

Genes: ATP5F1D (ATP synthase F1 subunit delta; plus strand), LOC130062904 (ATAC-STARR-seq lymphoblastoid silent region 9674; plus strand). Cytogenetic location: 19p13.3.
Variant type: single nucleotide variant.
Coding change: c.448C>T on transcript NM_001687.5 (MANE Select); coding-DNA position 448, C replaced by T.
Protein change: p.Arg150Trp; replaces arginine 150 with tryptophan.
Molecular consequence: missense variant.
Genome position (GRCh38, 1-based): chr19:1,244,378, C>T. VCF-style: chr19-1244378-C-T. GRCh37 (hg19) VCF-style: chr19-1244377-C-T.
Other names: c.448C>T, p.Arg150Trp (NM_001001975.2); short protein forms R150W.
Identifiers: ClinVar variation 3131684 (VCV003131684.4), dbSNP rs201886813, ClinGen allele CA9040340.
Genomic context (GRCh38, chr19:1,244,378, plus strand): 5'-GCCAAGGCAAACTTGGAGAAGGCCCAGGCGGAGCTGGTGGGGACAGCTGACGAGGCCACG[C>T]GGGCAGAGATCCAGATCCGAATCGAGGCCAACGAGGCCCTGGTGAAGGCCCTGGAGTAGG-3'
Protein context (NP_001678.1, residues 140-160): ELVGTADEAT[Arg150Trp]AEIQIRIEAN